The following is an entry in ClinVar:

NM_005157.6(ABL1):c.1814AGA[6] (p.Lys609_Thr610insLys)

Gene: ABL1 (ABL proto-oncogene 1, non-receptor tyrosine kinase; plus strand). Cytogenetic location: 9q34.12.
Variant type: Microsatellite.
Coding change: c.1814AGA[6] on transcript NM_005157.6 (MANE Select); six copies in a row of the 3-base unit AGA starting at c.1814; the reference has five copies in a row; one copy, 3 bases duplicated.
Protein change: p.Lys609_Thr610insLys.
Molecular consequence: inframe insertion.
Genome position (GRCh38, 1-based): chr9:130,884,116-130,884,118, AGA duplicated; duplicating any 3 consecutive bases within chr9:130,884,103-130,884,118 gives the same sequence; the position shown is the placement nearest the transcript's 3' end. VCF-style (leftmost placement, unchanged base first): chr9-130884102-C-CAAG. GRCh37 (hg19) VCF-style: chr9-133759489-C-CAAG.
Other names: c.1871AGA[6], p.Lys628_Thr629insLys (NM_007313.3).
Identifiers: ClinVar variation 2991671 (VCV002991671.3), dbSNP rs201725154, ClinGen allele CA5285555.

ClinVar aggregate classification (germline): Uncertain significance (1 of 4 stars; one submission).

Submission:

Labcorp Genetics (formerly Invitae), Labcorp
Classification: Uncertain significance. Last evaluated: 2026-02-02. Review status: criteria provided, single submitter. Criteria: Invitae Variant Classification Sherloc (09022015). Collection method: clinical testing. Allele origin: germline.
Comment: This variant, c.1883_1885dup, results in the insertion of 1 amino acid(s) of the ABL1 protein (p.Lys628dup), but otherwise preserves the integrity of the reading frame. This variant is present in population databases (rs745596185, gnomAD 0.007%). This variant has not been reported in the literature in individuals affected with ABL1-related conditions. In summary, the available evidence is currently insufficient to determine the role of this variant in disease. Therefore, it has been classified as a Variant of Uncertain Significance.